The following is an entry in ClinVar:

ClinVar aggregate classification (germline): Likely benign. Review status: criteria provided, multiple submitters, no conflicts (2 of 4 stars). 2 submissions from 2 submitters: Likely benign (2). Last evaluated 2025-03-01.

gnomAD v4.1: 2 of 1,613,478 alleles (0.00012%); highest among the groups gnomAD compares: South Asian, 0.0011%; no homozygotes.

Submissions (2):

CeGaT Center for Human Genetics Tuebingen
Classification: Likely benign. Last evaluated: 2025-03-01. Review status: criteria provided, single submitter. Criteria: CeGaT Center For Human Genetics Tuebingen Variant Classification Criteria Version 2. Collection method: clinical testing. Allele origin: germline. Affected: yes. Observed: 1 variant allele.
Comment: KMT2A: BP4, BP7

Labcorp Genetics (formerly Invitae), Labcorp
Classification: Likely benign. Last evaluated: 2018-06-25. Review status: criteria provided, single submitter. Criteria: Invitae Variant Classification Sherloc (09022015). Collection method: clinical testing. Allele origin: germline.

NM_001197104.2(KMT2A):c.4233A>C (p.Ala1411=)

Gene: KMT2A (lysine methyltransferase 2A; plus strand). Cytogenetic location: 11q23.3.
Variant type: single nucleotide variant.
Coding change: c.4233A>C on transcript NM_001197104.2 (MANE Select); coding-DNA position 4233, A replaced by C.
Protein change: p.Ala1411=; no amino-acid change (alanine 1411 retained).
Molecular consequence: synonymous variant.
Genome position (GRCh38, 1-based): chr11:118,484,876, A>C. VCF-style: chr11-118484876-A-C. GRCh37 (hg19) VCF-style: chr11-118355591-A-C.
Other names: c.4233A>C, p.Ala1411= (NM_005933.4).
Identifiers: ClinVar variation 749163 (VCV000749163.10), dbSNP rs1591389008, ClinGen allele CA477089373.